The following is an entry in ClinVar:

ClinVar aggregate classification (germline): Uncertain significance (1 of 4 stars; one submission).

Conditions:
Mitochondrial DNA depletion syndrome 13. Also called: FBXL4-Related Encephalomyopathic Mitochondrial DNA Depletion Syndrome; Mitochondrial DNA depletion syndrome 13 (encephalomyopathic type). Identifiers: Orphanet 369897, MedGen C3809592, MONDO:0014198, OMIM 615471.

Allele frequency attached by ClinVar (database versions not stated): TOPMed below 0.00001; gnomAD exomes 0.00001; ExAC 0.00002.
gnomAD v4.1: 7 of 1,614,130 alleles (0.00043%); highest among the groups gnomAD compares: South Asian, 0.0033%; no homozygotes.

Submission:

Wong Mito Lab, Molecular and Human Genetics, Baylor College of Medicine
Classification: Uncertain significance for Mitochondrial DNA depletion syndrome 13. Last evaluated: 2017-08-10. Review status: criteria provided, single submitter. Criteria: ACMG Guidelines, 2015. Collection method: reference population. Allele origin: germline.
Comment: The NM_012160.4:c.1670A>G (NP_036292.2:p.Asn557Ser) [GRCH38: NC_000006.12:g.98875447T>C] variant in FBXL4 gene is interpretated to be a Uncertain Significance - Conflicting Evidence based on ACMG guidelines (PMID: 25741868). This variant meets one or more of the following evidence codes reported in the ACMG-guideline. PM2:This variant is absent in key population databases. BP4:Computational evidence/predictors indicate no impact on the FBXL4 structure, function, or protein-protein interaction. Based on this evidence code ClinGen Pathogenicity Calculator (PMID:28081714) suggested that the variant is Uncertain Significance - Conflicting Evidence.

NM_001278716.2(FBXL4):c.1670A>G (p.Asn557Ser)

Gene: FBXL4 (F-box and leucine rich repeat protein 4; minus strand). Cytogenetic location: 6q16.1.
Variant type: single nucleotide variant.
Coding change: c.1670A>G on transcript NM_001278716.2 (MANE Select); coding-DNA position 1670, A replaced by G.
Protein change: p.Asn557Ser; replaces asparagine 557 with serine.
Molecular consequence: missense variant. On other transcripts: non-coding transcript variant (1).
Genome position (GRCh38, 1-based): chr6:98,875,447, T>C on the plus strand (A>G on the coding strand, the complement: FBXL4 is on the minus strand). VCF-style: chr6-98875447-T-C. GRCh37 (hg19) VCF-style: chr6-99323323-T-C.
Other names: c.1670A>G, p.Asn557Ser (NM_012160.5); short protein forms N557S.
Identifiers: ClinVar variation 437784 (VCV000437784.1), dbSNP rs753327689, ClinGen allele CA3933408.